The following is an entry in ClinVar:

NM_001909.5(CTSD):c.1071+9G>A

Gene: CTSD (cathepsin D; minus strand). Cytogenetic location: 11p15.5.
Variant type: single nucleotide variant.
Coding change: c.1071+9G>A on transcript NM_001909.5 (MANE Select); 9 bases into the intron after coding-DNA position 1071, G replaced by A.
Molecular consequence: intron variant.
Genome position (GRCh38, 1-based): chr11:1,753,794, C>T on the plus strand (G>A on the coding strand, the complement: CTSD is on the minus strand). VCF-style: chr11-1753794-C-T. GRCh37 (hg19) VCF-style: chr11-1775024-C-T.
Identifiers: ClinVar variation 391749 (VCV000391749.3), dbSNP rs747408239, ClinGen allele CA5813942.

ClinVar aggregate classification (germline): Likely benign. Review status: criteria provided, multiple submitters, no conflicts (2 of 4 stars). 2 submissions from 2 submitters: Likely benign (2). Last evaluated 2025-08-31.

Conditions:
Neuronal ceroid lipofuscinosis. Also called: Neuronal Ceroid Lipofuscinoses. Identifiers: Orphanet 216, Orphanet 79263, MedGen C0027877, MONDO:0016295. Disease mechanism: loss of function.

Allele frequency attached by ClinVar (database versions not stated): gnomAD 0.00003 and 0.00004; TOPMed 0.00004.
gnomAD v4.1: 5 of 1,613,090 alleles (0.00031%); highest among the groups gnomAD compares: African/African-American, 0.0067%; no homozygotes.

Submissions (2):

Labcorp Genetics (formerly Invitae), Labcorp
Classification: Likely benign for Neuronal ceroid lipofuscinosis. Last evaluated: 2025-08-31. Review status: criteria provided, single submitter. Criteria: Invitae Variant Classification Sherloc (09022015). Collection method: clinical testing. Allele origin: germline.

GeneDx
Classification: Likely benign. Last evaluated: 2016-12-21. Review status: criteria provided, single submitter. Criteria: GeneDx Variant Classification (06012015). Collection method: clinical testing. Allele origin: germline. Affected: yes.
Comment: This variant is considered likely benign or benign based on one or more of the following criteria: it is a conservative change, it occurs at a poorly conserved position in the protein, it is predicted to be benign by multiple in silico algorithms, and/or has population frequency not consistent with disease.